The following is an entry in ClinVar:

ClinVar aggregate classification (germline): Uncertain significance. Review status: criteria provided, multiple submitters, no conflicts (2 of 4 stars). 2 submissions from 2 submitters: Uncertain significance (2). Last evaluated 2024-07-19.

Conditions:
Coffin-Siris syndrome 1 (CSS1). Also called: Mental retardation, autosomal dominant 12; ARID1B-Related Coffin-Siris Syndrome. Identifiers: Orphanet 1465, MedGen C3281201, MONDO:0007617, OMIM 135900. Disease mechanism: gain of function.

Allele frequency attached by ClinVar (database versions not stated): gnomAD 0.00001; gnomAD exomes 0.00002; TOPMed 0.00002.
gnomAD v4.1: 23 of 1,371,672 alleles (0.0017%); highest among the groups gnomAD compares: East Asian, 0.0093%; no homozygotes.

Submissions (2):

Labcorp Genetics (formerly Invitae), Labcorp
Classification: Uncertain significance. Last evaluated: 2024-07-19. Review status: criteria provided, single submitter. Criteria: Invitae Variant Classification Sherloc (09022015). Collection method: clinical testing. Allele origin: germline.
Comment: This sequence change replaces arginine, which is basic and polar, with glycine, which is neutral and non-polar, at codon 110 of the ARID1A protein (p.Arg110Gly). The frequency data for this variant in the population databases is considered unreliable, as metrics indicate poor data quality at this position in the gnomAD database. This variant has not been reported in the literature in individuals affected with ARID1A-related conditions. ClinVar contains an entry for this variant (Variation ID: 1502419). Advanced modeling of protein sequence and biophysical properties (such as structural, functional, and spatial information, amino acid conservation, physicochemical variation, residue mobility, and thermodynamic stability) performed at Invitae indicates that this missense variant is not expected to disrupt ARID1A protein function with a negative predictive value of 95%. In summary, the available evidence is currently insufficient to determine the role of this variant in disease. Therefore, it has been classified as a Variant of Uncertain Significance.

Pittsburgh Clinical Genomics Laboratory, University of Pittsburgh Medical Center
Classification: Uncertain significance for Coffin-Siris syndrome 1. Last evaluated: 2022-06-03. Review status: criteria provided, single submitter. Criteria: ACMG Guidelines, 2015. Collection method: clinical testing. Allele origin: germline. Inheritance: Autosomal dominant inheritance. Affected: yes.
Comment: This sequence variant is a single nucleotide substitution (A>G) at position 328 of the coding sequence of the ARID1A gene that results in an arginine to glycine amino acid change at residue 110 of the ARID1A protein. This is a previously reported variant (ClinVar) that has not been observed in individuals with ARID1A-related disorders in the published literature, to our knowledge. This variant is present in control population datasets (gnomAD database, 1 of 29,166 alleles, 0.003%). Multiple bioinformatic tools provide conflicting predictions concerning this arginine to glycine amino acid change, though the Arg110 residue is strongly conserved across the mammalian species examined. Studies examining the functiol consequence of this variant have not been published, to our knowledge. At this time, there is insufficient evidence to determine if this variant is pathogenic or benign. Therefore, we consider this a variant of uncertain significance. ACMG Criteria: BP1, PM2

NM_006015.6(ARID1A):c.328A>G (p.Arg110Gly)

Gene: ARID1A (AT-rich interaction domain 1A; plus strand). Cytogenetic location: 1p36.11.
Variant type: single nucleotide variant.
Coding change: c.328A>G on transcript NM_006015.6 (MANE Select); coding-DNA position 328, A replaced by G.
Protein change: p.Arg110Gly; replaces arginine 110 with glycine.
Molecular consequence: missense variant.
Genome position (GRCh38, 1-based): chr1:26,696,731, A>G. VCF-style: chr1-26696731-A-G. GRCh37 (hg19) VCF-style: chr1-27023222-A-G.
Other names: c.328A>G, p.Arg110Gly (NM_139135.4); short protein forms R110G.
Identifiers: ClinVar variation 1502419 (VCV001502419.9), dbSNP rs1444337339, ClinGen allele CA339264883.
Genomic context (GRCh38, chr1:26,696,731, plus strand): 5'-AGCGGCGGCGGGCCCGGCGCGGAGCCGGACCTGAAGAACTCGAACGGGAACGCGGGCCCT[A>G]GGCCCGCCCTGAACAATAACCTCACGGAGCCGCCCGGCGGCGGCGGTGGCGGCAGCAGCG-3'
Protein context (NP_006006.3, residues 100-120): LKNSNGNAGP[Arg110Gly]PALNNNLTEP